The following is an entry in ClinVar:

NM_014049.5(ACAD9):c.1272del (p.Phe425fs)

Gene: ACAD9 (acyl-CoA dehydrogenase family member 9; plus strand). Cytogenetic location: 3q21.3.
Variant type: Deletion.
Coding change: c.1272del on transcript NM_014049.5 (MANE Select); coding-DNA position 1272, one base deleted (C; older notation c.1272delC).
Protein change: p.Phe425fs; shifts the reading frame from phenylalanine 425.
Molecular consequence: frameshift variant. On other transcripts: non-coding transcript variant (1).
Genome position (GRCh38, 1-based): chr3:128,906,243, C deleted. VCF-style (leftmost placement, unchanged base first): chr3-128906242-TC-T. GRCh37 (hg19) VCF-style: chr3-128625085-TC-T.
Other names: c.903del, p.Phe302fs (NM_001410805.1); short protein forms F302fs, F425fs.
Identifiers: ClinVar variation 4815582 (VCV004815582.1).

ClinVar aggregate classification (germline): Likely pathogenic (1 of 4 stars; one submission).

Conditions:
Acyl-CoA dehydrogenase 9 deficiency. Also called: Acyl-CoA dehydrogenase family, member 9, deficiency of; MITOCHONDRIAL COMPLEX I DEFICIENCY, NUCLEAR TYPE 20. Identifiers: Orphanet 99901, MedGen C4747517, MONDO:0012624, OMIM 611126.

Submission:

Natera, Inc.
Classification: Likely pathogenic for ACAD9 deficiency. Last evaluated: 2024-04-10. Review status: criteria provided, single submitter. Criteria: Natera Variant Classification Schema (03/2026). Collection method: clinical testing. Allele origin: germline.
Comment: The c.1272delC variant in ACAD9 is a frameshift variant predicted to shift the reading frame beginning at codon 425 and leads to a stop codon 14 codons downstream. This variant is expected to result in nonsense mediated decay, truncation, or a dysfunctional protein product. This variant is rare in the general population with a frequency below the threshold expected for the associated phenotype(s). Given the available evidence, this variant is classified as Likely Pathogenic.